The following is an entry in ClinVar:

ClinVar aggregate classification (germline): Uncertain significance. Review status: criteria provided, multiple submitters, no conflicts (2 of 4 stars). 5 submissions from 5 submitters: Uncertain significance (5). Last evaluated 2023-10-08.

Conditions:
Inborn genetic diseases. Identifiers: MedGen C0950123, MeSH D030342.
COG5-congenital disorder of glycosylation. Also called: CDG IIi; COG5-CDG; CONGENITAL DISORDER OF GLYCOSYLATION, TYPE IIi. Identifiers: Orphanet 263487, MedGen C3150876, MONDO:0013325, OMIM 613612.

Allele frequency attached by ClinVar (database versions not stated): ESP Exome Variant Server 0.00023.
gnomAD v4.1: 206 of 1,569,188 alleles (0.013%); highest among the groups gnomAD compares: Middle Eastern, 0.1%; no homozygotes.

Submissions (5):

GeneDx
Classification: Uncertain significance. Last evaluated: 2023-10-08. Review status: criteria provided, single submitter. Criteria: GeneDx Variant Classification Process June 2021. Collection method: clinical testing. Allele origin: germline. Affected: yes.
Comment: Has not been previously published as pathogenic or benign to our knowledge; In silico analysis supports that this missense variant does not alter protein structure/function

Labcorp Genetics (formerly Invitae), Labcorp
Classification: Uncertain significance for COG5-congenital disorder of glycosylation. Last evaluated: 2022-08-22. Review status: criteria provided, single submitter. Criteria: Invitae Variant Classification Sherloc (09022015). Collection method: clinical testing. Allele origin: germline.
Comment: This sequence change replaces lysine, which is basic and polar, with asparagine, which is neutral and polar, at codon 465 of the COG5 protein (p.Lys465Asn). This variant is present in population databases (rs200021706, gnomAD 0.07%). This variant has not been reported in the literature in individuals affected with COG5-related conditions. ClinVar contains an entry for this variant (Variation ID: 910495). Algorithms developed to predict the effect of missense changes on protein structure and function (SIFT, PolyPhen-2, Align-GVGD) all suggest that this variant is likely to be tolerated. In summary, the available evidence is currently insufficient to determine the role of this variant in disease. Therefore, it has been classified as a Variant of Uncertain Significance.

Ambry Genetics
Classification: Uncertain significance for Inborn genetic diseases. Last evaluated: 2022-06-29. Review status: criteria provided, single submitter. Criteria: Ambry Variant Classification Scheme 2023. Collection method: clinical testing. Allele origin: germline.

Illumina Laboratory Services, Illumina
Classification: Uncertain significance for COG5-congenital disorder of glycosylation. Last evaluated: 2018-01-12. Review status: criteria provided, single submitter. Criteria: ICSL Variant Classification Criteria 13 December 2019. Collection method: clinical testing. Allele origin: germline.

Breakthrough Genomics
Classification: Uncertain significance. Review status: criteria provided, single submitter. Criteria: ACMG Guidelines, 2015. Collection method: not provided. Allele origin: germline. Inheritance: Autosomal recessive inheritance. Affected: yes.

NM_006348.5(COG5):c.1302G>T (p.Lys434Asn)

Gene: COG5 (component of oligomeric golgi complex 5; minus strand). Cytogenetic location: 7q22.3.
Variant type: single nucleotide variant.
Coding change: c.1302G>T on transcript NM_006348.5 (MANE Select); coding-DNA position 1302, G replaced by T.
Protein change: p.Lys434Asn; replaces lysine 434 with asparagine.
Molecular consequence: missense variant.
Genome position (GRCh38, 1-based): chr7:107,298,153, C>A on the plus strand (G>T on the coding strand, the complement: COG5 is on the minus strand). VCF-style: chr7-107298153-C-A. GRCh37 (hg19) VCF-style: chr7-106938598-C-A.
Other names: c.1302G>T, p.Lys434Asn (NM_001161520.2, NM_001379511.1, NM_001379512.1 and 3 more transcripts); c.732G>T, p.Lys244Asn (NM_001379515.1); c.588G>T, p.Lys196Asn (NM_001379516.1); short protein forms K434N, K196N, K244N.
Identifiers: ClinVar variation 910495 (VCV000910495.9), dbSNP rs200021706, ClinGen allele CA4430957.